The following is an entry in ClinVar:

NM_001308093.3(GATA4):c.1149+177C>G

Gene: GATA4 (GATA binding protein 4). Cytogenetic location: 8p23.1.
Variant type: single nucleotide variant.
Coding change: c.1149+177C>G on transcript NM_001308093.3 (MANE Select); 177 bases into the intron after coding-DNA position 1149, C replaced by G.
Molecular consequence: intron variant.
Genome position (GRCh38, 1-based): chr8:11,757,260, C>G. VCF-style: chr8-11757260-C-G. GRCh37 (hg19) VCF-style: chr8-11614769-C-G.
Other names: c.528+177C>G (NM_001308094.2, NM_001374273.1); c.1146+177C>G (NM_002052.5); c.402+177C>G (NM_001374274.1).
Identifiers: ClinVar variation 3042065 (VCV003042065.2), dbSNP rs12156163, ClinGen allele CA172120601.

ClinVar aggregate classification (germline): Likely benign (0 of 4 stars; one submission).

Conditions:
GATA4-related disorder. Also called: GATA4-related condition. Identifiers: MedGen CN860321.

Allele frequency attached by ClinVar (database versions not stated): 1000 Genomes Project 0.00359; 1000 Genomes Project 30x 0.00375.
gnomAD v4.1: 357 of 152,236 alleles (0.23%); highest among the groups gnomAD compares: Admixed American, 1.7%; 2 homozygotes.

Submission:

PreventionGenetics, part of Exact Sciences
Classification: Likely benign for GATA4-related condition. Last evaluated: 2019-03-27. Review status: no assertion criteria provided. Collection method: clinical testing. Allele origin: germline.
Comment: This variant is classified as likely benign based on ACMG/AMP sequence variant interpretation guidelines (Richards et al. 2015 PMID: 25741868, with internal and published modifications).